The following is an entry in ClinVar:

ClinVar aggregate classification (germline): Benign/Likely benign. Review status: criteria provided, multiple submitters, no conflicts (2 of 4 stars). 14 submissions from 12 submitters: Benign (8); Likely benign (4). 2 of the submissions do not count toward it. Last evaluated 2026-09-01.

Conditions:
Polydactyly. Also called: polydactylism. Identifiers: MedGen C0152427, MONDO:0021003, OMIM 603596, HP:0010442.
Greig cephalopolysyndactyly syndrome (GCPS). Also called: POLYSYNDACTYLY WITH PECULIAR SKULL SHAPE; Greig syndrome; GLI3-Related Greig Cephalopolysyndactyly Syndrome. Identifiers: Orphanet 380, MedGen C0265306, MONDO:0008287, OMIM 175700.
Pallister-Hall syndrome (PHS). Also called: GLI3-Related Pallister-Hall Syndrome; HYPOTHALAMIC HAMARTOBLASTOMA, HYPOPITUITARISM, IMPERFORATE ANUS, AND POSTAXIAL POLYDACTYLY. Identifiers: Orphanet 672, MedGen C0265220, MONDO:0007804, OMIM 146510.

Allele frequency attached by ClinVar (database versions not stated): 1000 Genomes Project 30x 0.00094; 1000 Genomes Project 0.00100; gnomAD 0.00320 and 0.00324; TOPMed 0.00336; ESP Exome Variant Server 0.00384; gnomAD exomes 0.00393 and 0.00397; ExAC 0.00440.
gnomAD v4.1: 6,333 of 1,613,320 alleles (0.39%); highest among the groups gnomAD compares: Middle Eastern, 2.4%; 27 homozygotes.

Submissions (14):

CeGaT Center for Human Genetics Tuebingen
Classification: Benign. Last evaluated: 2026-09-01. Review status: criteria provided, single submitter. Criteria: CeGaT Center For Human Genetics Tuebingen Variant Classification Criteria Version 2. Collection method: clinical testing. Allele origin: germline. Affected: yes. Observed: 36 variant alleles.
Comment: GLI3: BS1, BS2

Labcorp Genetics (formerly Invitae), Labcorp
Classification: Benign for Pallister-Hall syndrome; Greig cephalopolysyndactyly syndrome. Last evaluated: 2026-01-26. Review status: criteria provided, single submitter. Criteria: Invitae Variant Classification Sherloc (09022015). Collection method: clinical testing. Allele origin: germline.

Blueprint Genetics
Classification: Likely benign. Last evaluated: 2024-11-27. Review status: criteria provided, single submitter. Criteria: ACMG Guidelines, 2015. Collection method: clinical testing. Allele origin: germline.

Mendelics
Classification: Likely benign for Greig cephalopolysyndactyly syndrome. Last evaluated: 2019-05-28. Review status: criteria provided, single submitter. Criteria: Mendelics Assertion Criteria 2017. Collection method: clinical testing. Allele origin: unknown.

Illumina Laboratory Services, Illumina
Classification: Benign for Pallister-Hall syndrome. Last evaluated: 2018-01-13. Review status: criteria provided, single submitter. Criteria: ICSL Variant Classification Criteria 13 December 2019. Collection method: clinical testing. Allele origin: germline.
Comment: This variant was observed in the ICSL laboratory as part of a predisposition screen in an ostensibly healthy population. It had not been previously curated by ICSL or reported in the Human Gene Mutation Database (HGMD: prior to June 1st, 2018), and was therefore a candidate for classification through an automated scoring system. Utilizing variant allele frequency, disease prevalence and penetrance estimates, and inheritance mode, an automated score was calculated to assess if this variant is too frequent to cause the disease. Based on the score and internal cut-off values, a variant classified as benign is not then subjected to further curation. The score for this variant resulted in a classification of benign for this disease.

Illumina Laboratory Services, Illumina
Classification: Benign for Greig cephalopolysyndactyly syndrome. Last evaluated: 2018-01-13. Review status: criteria provided, single submitter. Criteria: ICSL Variant Classification Criteria 13 December 2019. Collection method: clinical testing. Allele origin: germline.
Comment: the same text as in the submission from Illumina Laboratory Services, Illumina above.

Illumina Laboratory Services, Illumina
Classification: Benign for Polydactyly. Last evaluated: 2018-01-13. Review status: criteria provided, single submitter. Criteria: ICSL Variant Classification Criteria 13 December 2019. Collection method: clinical testing. Allele origin: germline.
Comment: the same text as in the submission from Illumina Laboratory Services, Illumina above.

GeneDx
Classification: Benign. Last evaluated: 2017-03-09. Review status: criteria provided, single submitter. Criteria: GeneDx Variant Classification (06012015). Collection method: clinical testing. Allele origin: germline. Affected: yes.
Comment: This variant is considered likely benign or benign based on one or more of the following criteria: it is a conservative change, it occurs at a poorly conserved position in the protein, it is predicted to be benign by multiple in silico algorithms, and/or has population frequency not consistent with disease.

Eurofins Ntd Llc (ga)
Classification: Benign. Last evaluated: 2016-10-14. Review status: criteria provided, single submitter. Criteria: EGL Classification Definitions 2015. Collection method: clinical testing. Allele origin: germline. Observed: 1 variant allele, 1 heterozygote.

Center for Pediatric Genomic Medicine, Children's Mercy Hospital and Clinics
Classification: Likely benign. Last evaluated: 2016-09-29. Review status: criteria provided, single submitter. Criteria: ACMG Guidelines, 2015. Collection method: clinical testing. Allele origin: germline.
ClinVar note: Converted during submission from Likely Benign to Likely benign.

Breakthrough Genomics
Classification: Likely benign. Review status: criteria provided, single submitter. Criteria: ACMG Guidelines, 2015. Collection method: not provided. Allele origin: germline. Inheritance: Autosomal dominant inheritance. Affected: yes.

PreventionGenetics, part of Exact Sciences
Classification: Benign. Review status: criteria provided, single submitter. Criteria: ACMG Guidelines, 2015. Collection method: clinical testing. Allele origin: germline.

Clinical Genetics DNA and cytogenetics Diagnostics Lab, Erasmus MC, Erasmus Medical Center
Classification: Likely benign. Review status: no assertion criteria provided. Collection method: clinical testing. Allele origin: germline. Affected: yes. Study: VKGL Data-share Consensus. Not counted in ClinVar's aggregate classification.

Laboratory of Diagnostic Genome Analysis, Leiden University Medical Center (LUMC)
Classification: Likely benign. Review status: no assertion criteria provided. Collection method: clinical testing. Allele origin: germline. Affected: yes. Study: VKGL Data-share Consensus. Not counted in ClinVar's aggregate classification.

NM_000168.6(GLI3):c.1393G>C (p.Gly465Arg)

Gene: GLI3 (GLI family zinc finger 3; minus strand). Cytogenetic location: 7p14.1.
Variant type: single nucleotide variant.
Coding change: c.1393G>C on transcript NM_000168.6 (MANE Select); coding-DNA position 1393, G replaced by C.
Protein change: p.Gly465Arg; replaces glycine 465 with arginine.
Molecular consequence: missense variant.
Genome position (GRCh38, 1-based): chr7:42,023,572, C>G on the plus strand (G>C on the coding strand, the complement: GLI3 is on the minus strand). VCF-style: chr7-42023572-C-G. GRCh37 (hg19) VCF-style: chr7-42063171-C-G.
Other names: short protein forms G465R.
Identifiers: ClinVar variation 255422 (VCV000255422.57), dbSNP rs35488756, ClinGen allele CA4230844.